The following is an entry in ClinVar:

ClinVar aggregate classification (germline): Uncertain significance (1 of 4 stars; one submission).

Conditions:
KIDINS220-related disorder. Also called: KIDINS220-related condition.

gnomAD v4.1: 1 of 1,611,924 alleles (0.000062%); highest among the groups gnomAD compares: Non-Finnish European, 0.000085%; no homozygotes.

Submission:

PreventionGenetics, part of Exact Sciences
Classification: Uncertain significance for KIDINS220-related condition. Last evaluated: 2026-06-11. Review status: criteria provided, single submitter. Criteria: ACMG Guidelines, 2015. Collection method: clinical testing. Allele origin: germline.
Comment: The KIDINS220 c.3049A>G variant is predicted to result in the amino acid substitution p.Ile1017Val. To our knowledge, this variant has not been reported in the literature or in a large population database (gnomAD), indicating this variant is rare. At this time, the clinical significance of this variant is uncertain due to the absence of conclusive functional and genetic evidence.

NM_020738.4(KIDINS220):c.3012-6109A>G

Gene: KIDINS220 (kinase D interacting substrate 220; minus strand). Cytogenetic location: 2p25.1.
Variant type: single nucleotide variant.
Coding change: c.3012-6109A>G on transcript NM_020738.4 (MANE Select); 6109 bases into the intron before coding-DNA position 3012, A replaced by G.
Molecular consequence: intron variant. On other transcripts: missense variant (1).
Genome position (GRCh38, 1-based): chr2:8,757,753, T>C on the plus strand (A>G on the coding strand, the complement: KIDINS220 is on the minus strand). VCF-style: chr2-8757753-T-C. GRCh37 (hg19) VCF-style: chr2-8897883-T-C.
Other names: c.3049A>G, p.Ile1017Val (NM_001348745.2); c.3012-6109A>G (NM_001348741.2, NM_001348738.2, NM_001348742.2 and 3 more transcripts); c.3015-6109A>G (NM_001348739.2, NM_001348740.2, NM_001348734.2 and 2 more transcripts); c.2886-6109A>G (NM_001348736.2); short protein forms I1017V.
Identifiers: ClinVar variation 4993087 (VCV004993087.1).